The following is an entry in ClinVar:

NM_000038.6(APC):c.3174T>C (p.Asp1058=)

Gene: APC (APC regulator of Wnt signaling pathway; plus strand). Cytogenetic location: 5q22.2.
Variant type: single nucleotide variant.
Coding change: c.3174T>C on transcript NM_000038.6 (MANE Select); coding-DNA position 3174, T replaced by C.
Protein change: p.Asp1058=; no amino-acid change (aspartic acid 1058 retained).
Molecular consequence: synonymous variant.
Genome position (GRCh38, 1-based): chr5:112,838,768, T>C. VCF-style: chr5-112838768-T-C. GRCh37 (hg19) VCF-style: chr5-112174465-T-C.
Other names: c.3174T>C, p.Asp1058= (NM_001127510.3, NM_001354895.2); c.3120T>C, p.Asp1040= (NM_001127511.3); c.3228T>C, p.Asp1076= (NM_001354896.2); c.3204T>C, p.Asp1068= (NM_001354897.2); c.3099T>C, p.Asp1033= (NM_001354898.2); c.3090T>C, p.Asp1030= (NM_001354899.2); c.3051T>C, p.Asp1017= (NM_001354900.2); c.2997T>C, p.Asp999= (NM_001354901.2); and 5 more.
Identifiers: ClinVar variation 1564236 (VCV001564236.10), dbSNP rs1561582572, ClinGen allele CA445963216.
Genomic context (GRCh38, chr5:112,838,768, plus strand): 5'-TGGAAGGCAAAGTCCTTCACAGAATGAAAGATGGGCAAGACCCAAACACATAATAGAAGA[T>C]GAAATAAAACAAAGTGAGCAAAGACAATCAAGGAATCAAAGTACAACTTATCCTGTTTAT-3'
Protein context (NP_000029.2, residues 1048-1068): RWARPKHIIE[Asp1058=]EIKQSEQRQS

ClinVar aggregate classification (germline): Benign/Likely benign. Review status: criteria provided, multiple submitters, no conflicts (2 of 4 stars). 3 submissions from 3 submitters: Benign (1); Likely benign (2). Last evaluated 2024-03-18.

Conditions:
Hereditary cancer-predisposing syndrome. Also called: Tumor predisposition; Hereditary Cancer Syndrome; Hereditary neoplastic syndrome; Neoplastic Syndromes, Hereditary. Identifiers: Orphanet 140162, MedGen C0027672, MeSH D009386, MONDO:0015356.
Familial adenomatous polyposis 1 (FAP1). Also called: POLYPOSIS, ADENOMATOUS INTESTINAL; FAMILIAL ADENOMATOUS POLYPOSIS 1, ATTENUATED. Identifiers: MedGen C2713442, MONDO:0021056, OMIM 175100. Disease mechanism: loss of function.

Submissions (3):

Myriad Genetics, Inc.
Classification: Benign for Familial adenomatous polyposis 1. Last evaluated: 2024-03-18. Review status: criteria provided, single submitter. Criteria: Myriad Autosomal Dominant, Autosomal Recessive and X-Linked Classification Criteria (2023). Collection method: clinical testing. Allele origin: unknown.
Comment: This variant is considered benign. This variant is a silent/synonymous amino acid change and it is not expected to impact splicing.

Ambry Genetics
Classification: Likely benign for Hereditary cancer-predisposing syndrome. Last evaluated: 2022-07-29. Review status: criteria provided, single submitter. Criteria: Ambry Variant Classification Scheme 2023. Collection method: clinical testing. Allele origin: germline.

Labcorp Genetics (formerly Invitae), Labcorp
Classification: Likely benign for Familial adenomatous polyposis 1. Last evaluated: 2021-06-05. Review status: criteria provided, single submitter. Criteria: Invitae Variant Classification Sherloc (09022015). Collection method: clinical testing. Allele origin: germline.